The following is an entry in ClinVar:

ClinVar aggregate classification (germline): Uncertain significance (1 of 4 stars; one submission).

Submission:

Mayo Clinic Laboratories, Mayo Clinic
Classification: Uncertain significance. Last evaluated: 2025-02-21. Review status: criteria provided, single submitter. Criteria: ACMG Guidelines, 2015. Collection method: clinical testing. Allele origin: germline. Observed: 1 variant allele.
Comment: BP4_moderate, PM2_supporting

NM_001365276.2(TNXB):c.4441A>T (p.Thr1481Ser)

Gene: TNXB (tenascin XB; minus strand). Cytogenetic location: 6p21.33.
Variant type: single nucleotide variant.
Coding change: c.4441A>T on transcript NM_001365276.2 (MANE Select); coding-DNA position 4441, A replaced by T.
Protein change: p.Thr1481Ser; replaces threonine 1481 with serine.
Molecular consequence: missense variant.
Genome position (GRCh38, 1-based): chr6:32,073,887, T>A on the plus strand (A>T on the coding strand, the complement: TNXB is on the minus strand). VCF-style: chr6-32073887-T-A. GRCh37 (hg19) VCF-style: chr6-32041664-T-A.
Other names: p.Thr1481Ser; c.5182A>T, p.Thr1728Ser (NM_001428335.1); c.4441A>T, p.Thr1481Ser (NM_019105.8); short protein forms T1481S, T1728S.
Identifiers: ClinVar variation 4541143 (VCV004541143.1).